The following is an entry in ClinVar:

ClinVar aggregate classification (germline): Pathogenic (1 of 4 stars; one submission).

Conditions:
GM1 gangliosidosis. Identifiers: Orphanet 354, MedGen C0085131, MONDO:0018149.
Mucopolysaccharidosis, MPS-IV-B (MPS4B). Also called: MORQUIO SYNDROME B; Mucopolysaccharidosis Type IVB (Morquio B Disease); Mucopolysaccharidosis type IV B; Mucopolysaccharidosis Type IVB; Mucopolysaccharidosis type 4B; Mucopolysaccharidosis type IVB (Morquio). Identifiers: Orphanet 309310, Orphanet 582, MedGen C0086652, MONDO:0009660, OMIM 253010.

Submission:

Labcorp Genetics (formerly Invitae), Labcorp
Classification: Pathogenic for Mucopolysaccharidosis, MPS-IV-B; GM1 gangliosidosis. Last evaluated: 2022-05-28. Review status: criteria provided, single submitter. Criteria: Invitae Variant Classification Sherloc (09022015). Collection method: clinical testing. Allele origin: germline.
Comment: This variant has not been reported in the literature in individuals affected with GLB1-related conditions. This variant is also known as c.69_75+1del. Algorithms developed to predict the effect of sequence changes on RNA splicing suggest that this variant may disrupt the consensus splice site. For these reasons, this variant has been classified as Pathogenic. This sequence change creates a premature translational stop signal (p.Gly23Glufs*8) in the GLB1 gene. It is expected to result in an absent or disrupted protein product. Loss-of-function variants in GLB1 are known to be pathogenic (PMID: 18524657). This variant is not present in population databases (gnomAD no frequency).

Literature cited by the submitters: PubMed 18524657.

NM_000404.4(GLB1):c.69_75+1del

Genes: GLB1 (galactosidase beta 1; minus strand), TMPPE (transmembrane protein with metallophosphoesterase domain; minus strand), LOC129936434 (ATAC-STARR-seq lymphoblastoid silent region 14182; plus strand). Cytogenetic location: 3p22.3.
Variant type: Deletion.
Coding change: c.69_75+1del on transcript NM_000404.4 (MANE Select); coding-DNA position 69 through the canonical splice donor site of the intron after coding-DNA position 75, 8 bases deleted (CTTGCGCG; older notation c.69_75+1delCTTGCGCG).
Molecular consequence: splice donor variant. On other transcripts: 5 prime UTR variant (2).
Genome position (GRCh38, 1-based): chr3:33,097,010-33,097,017, CGCGCAAG deleted on the plus strand (CTTGCGCG on the coding strand, the reverse complement: GLB1 is on the minus strand); deleting any 8 consecutive bases within chr3:33,097,010-33,097,018 gives the same sequence; the c. name uses the placement nearest the transcript's 3' end. VCF-style (leftmost placement, unchanged base first): chr3-33097009-ACGCGCAAG-A. GRCh37 (hg19) VCF-style: chr3-33138501-ACGCGCAAG-A.
Other names: c.-407_-400del (NM_001039770.3); c.-303_-296del (NM_001136238.2); c.69_75+1del (NM_001393580.1, NM_001135602.3, NM_001317040.2).
Identifiers: ClinVar variation 2000083 (VCV002000083.4), dbSNP rs2471539319, ClinGen allele CA2580069251.